The following is an entry in ClinVar:

ClinVar aggregate classification (germline): Uncertain significance (1 of 4 stars; one submission).

Conditions:
Dilated cardiomyopathy 1O (CMD1O). Also called: CARDIOMYOPATHY, DILATED, WITH VENTRICULAR TACHYCARDIA. Identifiers: Orphanet 154, MedGen C1837839, MONDO:0012062, OMIM 608569.

Submission:

Labcorp Genetics (formerly Invitae), Labcorp
Classification: Uncertain significance for Dilated cardiomyopathy 1O. Last evaluated: 2022-04-30. Review status: criteria provided, single submitter. Criteria: Invitae Variant Classification Sherloc (09022015). Collection method: clinical testing. Allele origin: germline.
Comment: In summary, the available evidence is currently insufficient to determine the role of this variant in disease. Therefore, it has been classified as a Variant of Uncertain Significance. Algorithms developed to predict the effect of missense changes on protein structure and function are either unavailable or do not agree on the potential impact of this missense change (SIFT: "Deleterious"; PolyPhen-2: "Benign"; Align-GVGD: "Class C0"). This variant has not been reported in the literature in individuals affected with ABCC9-related conditions. This variant is not present in population databases (gnomAD no frequency). This sequence change replaces leucine, which is neutral and non-polar, with phenylalanine, which is neutral and non-polar, at codon 1470 of the ABCC9 protein (p.Leu1470Phe).

NM_020297.4(ABCC9):c.4408C>T (p.Leu1470Phe)

Genes: ABCC9 (ATP binding cassette subfamily C member 9; minus strand), KCNJ8-AS1 (KCNJ8 antisense RNA 1; plus strand). Cytogenetic location: 12p12.1.
Variant type: single nucleotide variant.
Coding change: c.4408C>T on transcript NM_020297.4 (MANE Select); coding-DNA position 4408, C replaced by T.
Protein change: p.Leu1470Phe; replaces leucine 1470 with phenylalanine.
Molecular consequence: missense variant.
Genome position (GRCh38, 1-based): chr12:21,807,387, G>A on the plus strand (C>T on the coding strand, the complement: ABCC9 is on the minus strand). VCF-style: chr12-21807387-G-A. GRCh37 (hg19) VCF-style: chr12-21960321-G-A.
Other names: c.4408C>T, p.Leu1470Phe (NM_001377273.1, NM_005691.4); c.3541C>T, p.Leu1181Phe (NM_001377274.1); short protein forms L1470F, L1181F.
Identifiers: ClinVar variation 2132280 (VCV002132280.4), dbSNP rs2540806083, ClinGen allele CA384131578.